The following is an entry in ClinVar:

NM_020791.4(TAOK1):c.811A>C (p.Thr271Pro)

Gene: TAOK1 (TAO kinase 1; plus strand). Cytogenetic location: 17q11.2.
Variant type: single nucleotide variant.
Coding change: c.811A>C on transcript NM_020791.4 (MANE Select); coding-DNA position 811, A replaced by C.
Protein change: p.Thr271Pro; replaces threonine 271 with proline.
Molecular consequence: missense variant.
Genome position (GRCh38, 1-based): chr17:29,491,845, A>C. VCF-style: chr17-29491845-A-C. GRCh37 (hg19) VCF-style: chr17-27818863-A-C.
Other names: c.811A>C, p.Thr271Pro (NM_025142.1); short protein forms T271P.
Identifiers: ClinVar variation 3731330 (VCV003731330.1).

ClinVar aggregate classification (germline): Uncertain significance (1 of 4 stars; one submission).

Conditions:
Developmental delay with or without intellectual impairment or behavioral abnormalities. Identifiers: MedGen C5562004, MONDO:0859199, OMIM 619575.

gnomAD v4.1: 2 of 1,613,156 alleles (0.00012%); highest among the groups gnomAD compares: South Asian, 0.0022%; no homozygotes.

Submission:

Neuberg Centre For Genomic Medicine, NCGM
Classification: Uncertain significance for Developmental delay with or without intellectual impairment or behavioral abnormalities. Last evaluated: 2023-06-22. Review status: criteria provided, single submitter. Criteria: ACMG Guidelines, 2015. Collection method: clinical testing. Allele origin: germline. Inheritance: Autosomal dominant inheritance. Affected: yes.
Comment: The observed missense variant c.811A>C(p.Thr271Pro) in TAOK1 gene has not been reported previously as a pathogenic variant nor as a benign variant, to our knowledge. This variant is reported with 0.001% allele frequency in gnomAD Exomes. The amino acid Thr at position 271 is changed to a Pro changing protein sequence and it might alter its composition and physico-chemical properties. Computational evidence (Polyphen-Benign, SIFT-Damaging and MutationTaster-disease causing) predicts conflicting evidence on protein structure and function for this variant. The amino acid change p.Thr271Pro in TAOK1 is predicted as conserved by GERP++ and PhyloP across 100 vertebrates. For these reasons, this variant has been classified as Uncertain Significance.